The following is an entry in ClinVar:

ClinVar aggregate classification (germline): Uncertain significance (1 of 4 stars; one submission).

Conditions:
RASopathy. Also called: rasopathies; Noonan spectrum disorder. Identifiers: Orphanet 536391, MedGen C5555857, MONDO:0021060.

Submission:

Labcorp Genetics (formerly Invitae), Labcorp
Classification: Uncertain significance for RASopathy. Last evaluated: 2025-04-20. Review status: criteria provided, single submitter. Criteria: Invitae Variant Classification Sherloc (09022015). Collection method: clinical testing. Allele origin: germline.
Comment: This sequence change replaces phenylalanine, which is neutral and non-polar, with valine, which is neutral and non-polar, at codon 36 of the RAF1 protein (p.Phe36Val). This variant is not present in population databases (gnomAD no frequency). This variant has not been reported in the literature in individuals affected with RAF1-related conditions. ClinVar contains an entry for this variant (Variation ID: 1058967). Invitae Evidence Modeling of protein sequence and biophysical properties (such as structural, functional, and spatial information, amino acid conservation, physicochemical variation, residue mobility, and thermodynamic stability) indicates that this missense variant is not expected to disrupt RAF1 protein function with a negative predictive value of 95%. In summary, the available evidence is currently insufficient to determine the role of this variant in disease. Therefore, it has been classified as a Variant of Uncertain Significance.

NM_002880.4(RAF1):c.106T>G (p.Phe36Val)

Gene: RAF1 (Raf-1 proto-oncogene, serine/threonine kinase; minus strand). Cytogenetic location: 3p25.2.
Variant type: single nucleotide variant.
Coding change: c.106T>G on transcript NM_002880.4 (MANE Select); coding-DNA position 106, T replaced by G.
Protein change: p.Phe36Val; replaces phenylalanine 36 with valine.
Molecular consequence: missense variant. On other transcripts: 5 prime UTR variant (4), non-coding transcript variant (3).
Genome position (GRCh38, 1-based): chr3:12,618,616, A>C on the plus strand (T>G on the coding strand, the complement: RAF1 is on the minus strand). VCF-style: chr3-12618616-A-C. GRCh37 (hg19) VCF-style: chr3-12660115-A-C.
Other names: c.106T>G, p.Phe36Val (NM_001354689.3, NM_001354690.3, NM_001354693.3); c.-25T>G (NM_001354691.3, NM_001354692.3, NM_001354694.3 and 1 more transcripts); short protein forms F36V.
Identifiers: ClinVar variation 1058967 (VCV001058967.9), dbSNP rs2125453209, ClinGen allele CA351485057.